The following is an entry in ClinVar:

NM_004168.4(SDHA):c.775del (p.Tyr259fs)

Gene: SDHA (succinate dehydrogenase complex flavoprotein subunit A; plus strand). Cytogenetic location: 5p15.33.
Variant type: Deletion.
Coding change: c.775del on transcript NM_004168.4 (MANE Select); coding-DNA position 775, one base deleted (T; older notation c.775delT).
Protein change: p.Tyr259fs; shifts the reading frame from tyrosine 259.
Molecular consequence: frameshift variant.
Genome position (GRCh38, 1-based): chr5:230,880, T deleted. VCF-style (leftmost placement, unchanged base first): chr5-230879-CT-C. GRCh37 (hg19) VCF-style: chr5-230994-CT-C.
Other names: c.631del, p.Tyr211fs (NM_001294332.2); c.775del, p.Tyr259fs (NM_001330758.2); short protein forms Y211fs, Y259fs.
Identifiers: ClinVar variation 486395 (VCV000486395.18), dbSNP rs1553998606, ClinGen allele CA658657423.
Genomic context (GRCh38, chr5:230,879, plus strand): 5'-GATAGGAGGTCCAGATGTGGGCCGCTGTGTGCAGTCACTGCTCTCTATTGTTTCCAGAGG[CT>C]ACGGGCGCACCTACTTCAGCTGCACGTCTGCCCACACCAGCACTGGCGACGGCACGGCCA-3'

ClinVar aggregate classification (germline): Pathogenic. Review status: criteria provided, multiple submitters, no conflicts (2 of 4 stars). 3 submissions from 3 submitters: Pathogenic (3). Last evaluated 2024-03-28.

Conditions:
Mitochondrial complex II deficiency, nuclear type 1. Also called: SUCCINATE CoQ REDUCTASE DEFICIENCY. Identifiers: Orphanet 3208, MedGen C5700310, MONDO:0100294, OMIM 252011.
Pheochromocytoma/paraganglioma syndrome 5. Also called: Paragangliomas 5; SDHA-Related Hereditary Paraganglioma-Pheochromocytoma Syndrome. Identifiers: Orphanet 29072, MedGen C3279992, MONDO:0013602, OMIM 614165.
Hereditary cancer-predisposing syndrome. Also called: Neoplastic Syndromes, Hereditary; Hereditary Cancer Syndrome; Hereditary neoplastic syndrome; Tumor predisposition. Identifiers: Orphanet 140162, MedGen C0027672, MeSH D009386, MONDO:0015356.

Allele frequency attached by ClinVar (database versions not stated): gnomAD exomes 0.00001.

Submissions (3):

Labcorp Genetics (formerly Invitae), Labcorp
Classification: Pathogenic for Pheochromocytoma/paraganglioma syndrome 5; Mitochondrial complex II deficiency, nuclear type 1. Last evaluated: 2024-03-28. Review status: criteria provided, single submitter. Criteria: Invitae Variant Classification Sherloc (09022015). Collection method: clinical testing. Allele origin: germline.
Comment: This sequence change creates a premature translational stop signal (p.Tyr259Thrfs*21) in the SDHA gene. It is expected to result in an absent or disrupted protein product. Loss-of-function variants in SDHA are known to be pathogenic (PMID: 22974104, 24781757). This variant is not present in population databases (gnomAD no frequency). This variant has not been reported in the literature in individuals affected with SDHA-related conditions. ClinVar contains an entry for this variant (Variation ID: 486395). For these reasons, this variant has been classified as Pathogenic.

Ambry Genetics
Classification: Pathogenic for Hereditary cancer-predisposing syndrome. Last evaluated: 2024-03-21. Review status: criteria provided, single submitter. Criteria: Ambry Variant Classification Scheme 2023. Collection method: clinical testing. Allele origin: germline.
Comment: The c.775delT pathogenic mutation, located in coding exon 7 of the SDHA gene, results from a deletion of one nucleotide at nucleotide position 775, causing a translational frameshift with a predicted alternate stop codon (p.Y259Tfs*21). This variant is considered to be rare based on population cohorts in the Genome Aggregation Database (gnomAD). This alteration is expected to result in loss of function by premature protein truncation or nonsense-mediated mRNA decay. As such, this alteration is interpreted as a disease-causing mutation.

Myriad Genetics, Inc.
Classification: Pathogenic for Pheochromocytoma/paraganglioma syndrome 5. Last evaluated: 2024-01-10. Review status: criteria provided, single submitter. Criteria: Myriad Autosomal Dominant, Autosomal Recessive and X-Linked Classification Criteria (2023). Collection method: clinical testing. Allele origin: unknown.
Comment: This variant is considered pathogenic. This variant creates a frameshift predicted to result in premature protein truncation.

Literature cited by the submitters: PubMed 22974104 (cited by Labcorp Genetics (formerly Invitae), Labcorp); PubMed 24781757 (cited by Labcorp Genetics (formerly Invitae), Labcorp).